The following is an entry in ClinVar:

ClinVar aggregate classification (germline): Uncertain significance (1 of 4 stars; one submission).

Conditions:
Cardiovascular phenotype. Identifiers: MedGen CN230736.

Allele frequency attached by ClinVar (database versions not stated): gnomAD exomes below 0.00001; gnomAD 0.00002; TOPMed 0.00002.
gnomAD v4.1: 4 of 1,614,040 alleles (0.00025%); highest among the groups gnomAD compares: Non-Finnish European, 0.00034%; no homozygotes.

Submission:

Ambry Genetics
Classification: Uncertain significance for Cardiovascular phenotype. Last evaluated: 2024-09-04. Review status: criteria provided, single submitter. Criteria: Ambry Variant Classification Scheme 2023. Collection method: clinical testing. Allele origin: germline.
Comment: The p.N599T variant (also known as c.1796A>C), located in coding exon 13 of the APOB gene, results from an A to C substitution at nucleotide position 1796. The asparagine at codon 599 is replaced by threonine, an amino acid with similar properties. This amino acid position is conserved. In addition, the in silico prediction for this alteration is inconclusive. Since supporting evidence is limited at this time, the clinical significance of this alteration remains unclear.

NM_000384.3(APOB):c.1796A>C (p.Asn599Thr)

Gene: APOB (apolipoprotein B; minus strand). Cytogenetic location: 2p24.1.
Variant type: single nucleotide variant.
Coding change: c.1796A>C on transcript NM_000384.3 (MANE Select); coding-DNA position 1796, A replaced by C.
Protein change: p.Asn599Thr; replaces asparagine 599 with threonine.
Molecular consequence: missense variant.
Genome position (GRCh38, 1-based): chr2:21,028,360, T>G on the plus strand (A>C on the coding strand, the complement: APOB is on the minus strand). VCF-style: chr2-21028360-T-G. GRCh37 (hg19) VCF-style: chr2-21251232-T-G.
Other names: short protein forms N599T.
Identifiers: ClinVar variation 1780261 (VCV001780261.3), dbSNP rs1218347135, ClinGen allele CA346014279.